The following is an entry in ClinVar:

ClinVar aggregate classification (germline): Pathogenic (1 of 4 stars; one submission).

Conditions:
Polycystic kidney disease, adult type (PKD1). Also called: Polycystic Kidney Disease 1, Autosomal Dominant; Polycystic kidney disease 1; Polycystic kidney disease 1, severe; Polycystic Kidney, Autosomal Dominant; POLYCYSTIC KIDNEY DISEASE 1 WITH OR WITHOUT POLYCYSTIC LIVER DISEASE; POLYCYSTIC KIDNEY DISEASE, ADULT, TYPE I. Identifiers: MedGen C3149841, MONDO:0008263, OMIM 173900.

Submission:

Victorian Clinical Genetics Services, Murdoch Childrens Research Institute
Classification: Pathogenic for Polycystic kidney disease, adult type. Last evaluated: 2022-02-02. Review status: criteria provided, single submitter. Criteria: ACMG Guidelines, 2015. Collection method: clinical testing. Allele origin: germline. Inheritance: Autosomal dominant inheritance.
Comment: Based on the classification scheme VCGS_Germline_v1.3.4, this variant is classified as Pathogenic. Following criteria are met: 0102 - Loss of function is a known mechanism of disease in this gene and is associated with polycystic kidney disease 1 (MIM#173900). (I) 0107 - This gene is associated with autosomal dominant disease. Polycystic kidney disease 1 (MIM#173900) is predominantly caused by monoallelic variants, with rare reports of biallelic variants causing disease (OMIM). (I) 0201 - Variant is predicted to cause nonsense-mediated decay (NMD) and loss of protein (premature termination codon is located at least 54 nucleotides upstream of the final exon-exon junction). (SP) 0251 - This variant is heterozygous. (I) 0301 - Variant is absent from gnomAD (both v2 and v3). However, gnomAD v2 has poor coverage of the region. (SP) 0701 - Other NMD-predicted variants comparable to the one identified in this case have very strong previous evidence for pathogenicity. These variants have been reported many times as pathogenic in individuals with polycystic kidney disease (DECIPHER). (SP) 0807 - This variant has no previous evidence of pathogenicity. (I) 0905 - No published segregation evidence has been identified for this variant. (I) 1007 - No published functional evidence has been identified for this variant. (I) 1208 - Inheritance information for this variant is not currently available in this individual. (I) Legend: (SP) - Supporting pathogenic, (I) - Information, (SB) - Supporting benign

NM_001009944.3(PKD1):c.11623del (p.Ala3875fs)

Genes: PKD1 (polycystin 1, transient receptor potential channel interacting; minus strand), PKD1-AS1 (PKD1 antisense RNA 1; plus strand). Cytogenetic location: 16p13.3.
Variant type: Deletion.
Coding change: c.11623del on transcript NM_001009944.3 (MANE Select); coding-DNA position 11623, one base deleted (G; older notation c.11623delG).
Protein change: p.Ala3875fs; shifts the reading frame from alanine 3875.
Molecular consequence: frameshift variant. On other transcripts: non-coding transcript variant (1).
Genome position (GRCh38, 1-based): chr16:2,091,512, C deleted on the plus strand (G on the coding strand, the reverse complement: PKD1 is on the minus strand); the first of 2 consecutive C bases (chr16:2,091,512-2,091,513); deleting either gives the same sequence. VCF-style (leftmost placement, unchanged base first): chr16-2091511-GC-G. GRCh37 (hg19) VCF-style: chr16-2141512-GC-G.
Other names: c.11620del, p.Ala3874fs (NM_000296.4); short protein forms A3874fs, A3875fs.
Identifiers: ClinVar variation 1699170 (VCV001699170.3), dbSNP rs2151695526, ClinGen allele CA2573131726.
Genomic context (GRCh38, chr16:2,091,511, plus strand): 5'-GCGCTGAGGCGGCGCAGCGCAAAGGGGCGGACGCTGAGGGCGGCCAGGGCGCGGCCGGCC[GC>G]CGGGAACTCGAGGCGCAGCGTGACGGCGGCGTGCAGCCCCACGGCCGGGCTGTAGCGCGT-3'